The following is an entry in ClinVar:

ClinVar aggregate classification (germline): Likely pathogenic. Review status: criteria provided, single submitter (1 of 4 stars). 2 submissions from 2 submitters: Likely pathogenic (1). 1 of the submissions does not count toward it. Last evaluated 2023-12-20.

Conditions:
FGG-related disorder. Also called: FGG-related condition.

Submissions (2):

Mayo Clinic Laboratories, Mayo Clinic
Classification: Likely pathogenic. Last evaluated: 2023-12-20. Review status: criteria provided, single submitter. Criteria: ACMG Guidelines, 2015. Collection method: clinical testing. Allele origin: germline. Observed: 1 variant allele.
Comment: PP3, PM1, PM2_moderate, PS3_moderate, PS4_moderate

PreventionGenetics, part of Exact Sciences
Classification: Uncertain significance for FGG-related condition. Last evaluated: 2024-05-30. Review status: no assertion criteria provided. Collection method: clinical testing. Allele origin: germline. Not counted in ClinVar's aggregate classification.
Comment: The FGG c.1015A>C variant is predicted to result in the amino acid substitution p.Ser339Arg. This variant is also referred to p.Ser313Arg or Detroit II in the literature. This variant has been reported in the heterozygous state in individuals with hypodysfibrinogenemia (Brennan et al. 2010. PubMed ID: 20126833; Chen et al. 2022. doi: 10.3760/cma.j.cn114452-20220426-00254). It has not been reported in a large population database indicating this variant is rare. Other missense variants affecting this amino acid (p.Ser339Asn, p.Ser339Gloy, p.Ser339Ile) have been reported in individuals with dysfibrinogenemia or hypofibrinogenemia (Kotlín et al. 2014. PubMed ID: 25074738; Meyer et al. 2006. PubMed ID: 16607083; Zhu et al. 2018. PubMed ID: 29652987). Although we suspect that this variant may be pathogenic, at this time, the clinical significance of this variant is uncertain due to the absence of conclusive functional and genetic evidence.

Literature cited by the submitters: PubMed 20126833 (cited by Mayo Clinic Laboratories, Mayo Clinic); PubMed 28211264 (cited by Mayo Clinic Laboratories, Mayo Clinic).

NM_021870.3(FGG):c.1015A>C (p.Ser339Arg)

Gene: FGG (fibrinogen gamma chain; minus strand). Cytogenetic location: 4q32.1.
Variant type: single nucleotide variant.
Coding change: c.1015A>C on transcript NM_021870.3 (MANE Select); coding-DNA position 1015, A replaced by C.
Protein change: p.Ser339Arg; replaces serine 339 with arginine.
Molecular consequence: missense variant.
Genome position (GRCh38, 1-based): chr4:154,606,819, T>G on the plus strand (A>C on the coding strand, the complement: FGG is on the minus strand). VCF-style: chr4-154606819-T-G. GRCh37 (hg19) VCF-style: chr4-155527971-T-G.
Other names: p.Ser339Arg; c.1015A>C, p.Ser339Arg (NM_000509.6); short protein forms S339R.
Identifiers: ClinVar variation 3346433 (VCV003346433.2).